The following is an entry in ClinVar:

ClinVar aggregate classification (germline): Likely benign. Review status: criteria provided, multiple submitters, no conflicts (2 of 4 stars). 3 submissions from 3 submitters: Likely benign (3). Last evaluated 2026-02-19.

Conditions:
POMK-related disorder. Also called: POMK-related condition.
Limb-girdle muscular dystrophy due to POMK deficiency. Also called: MUSCULAR DYSTROPHY-DYSTROGLYCANOPATHY, LIMB-GIRDLE, POMK-RELATED; Muscular dystrophy-dystroglycanopathy (limb-girdle), type c, 12. Identifiers: Orphanet 445110, MedGen C4015184, MONDO:0014489, OMIM 616094.
Muscular dystrophy-dystroglycanopathy (congenital with brain and eye anomalies), type a, 12 (MDDGA12). Also called: WALKER-WARBURG SYNDROME OR MUSCLE-EYE-BRAIN DISEASE, POMK-RELATED. Identifiers: Orphanet 899, MedGen C3808964, MONDO:0014101, OMIM 615249.

Allele frequency attached by ClinVar (database versions not stated): ESP Exome Variant Server 0.00023; gnomAD 0.00040 and 0.00044; TOPMed 0.00061; gnomAD exomes 0.00063 and 0.00071; ExAC 0.00067.
gnomAD v4.1: 965 of 1,613,350 alleles (0.06%); highest among the groups gnomAD compares: Admixed American, 0.25%; 1 homozygote.

Submissions (3):

PreventionGenetics, part of Exact Sciences
Classification: Likely benign for POMK-related condition. Last evaluated: 2026-02-19. Review status: criteria provided, single submitter. Criteria: ACMG Guidelines, 2015. Collection method: clinical testing. Allele origin: germline.
Comment: This variant is classified as likely benign based on ACMG/AMP sequence variant interpretation guidelines (Richards et al. 2015 PMID: 25741868, with internal and published modifications).

Labcorp Genetics (formerly Invitae), Labcorp
Classification: Likely benign for Muscular dystrophy-dystroglycanopathy (congenital with brain and eye anomalies), type a, 12; Limb-girdle muscular dystrophy due to POMK deficiency. Last evaluated: 2026-01-18. Review status: criteria provided, single submitter. Criteria: Invitae Variant Classification Sherloc (09022015). Collection method: clinical testing. Allele origin: germline.

GeneDx
Classification: Likely benign. Last evaluated: 2020-12-11. Review status: criteria provided, single submitter. Criteria: GeneDx Variant Classification Process June 2021. Collection method: clinical testing. Allele origin: germline. Affected: yes.
Comment: In silico analysis supports that this missense variant has a deleterious effect on protein structure/function; Has not been previously published as pathogenic or benign to our knowledge

NM_032237.5(POMK):c.1013T>G (p.Leu338Arg)

Gene: POMK (protein O-mannose kinase; plus strand). Cytogenetic location: 8p11.21.
Variant type: single nucleotide variant.
Coding change: c.1013T>G on transcript NM_032237.5 (MANE Select); coding-DNA position 1013, T replaced by G.
Protein change: p.Leu338Arg; replaces leucine 338 with arginine.
Molecular consequence: missense variant.
Genome position (GRCh38, 1-based): chr8:43,122,837, T>G. VCF-style: chr8-43122837-T-G. GRCh37 (hg19) VCF-style: chr8-42977980-T-G.
Other names: c.1013T>G, p.Leu338Arg (NM_001277971.2); short protein forms L338R.
Identifiers: ClinVar variation 474188 (VCV000474188.13), dbSNP rs200555259, ClinGen allele CA4736394.
Genomic context (GRCh38, chr8:43,122,837, plus strand): 5'-CCTCAGAAAGACCCACTGCCCAGGACGTTCTGGAGACCTACCAGAAGGTCTTGGATACAC[T>G]TAGAGATGCCATGATGTCTCAGGCAAGAGAGATGCTGTGAAAACCAGTCCAGCCAATGAA-3'
Protein context (NP_115613.1, residues 328-348): LETYQKVLDT[Leu338Arg]RDAMMSQARE